The following is an entry in ClinVar:

NM_006206.6(PDGFRA):c.2490A>C (p.Lys830Asn)

Gene: PDGFRA (platelet derived growth factor receptor alpha; plus strand). Cytogenetic location: 4q12.
Variant type: single nucleotide variant.
Coding change: c.2490A>C on transcript NM_006206.6 (MANE Select); coding-DNA position 2490, A replaced by C.
Protein change: p.Lys830Asn; replaces lysine 830 with asparagine.
Molecular consequence: missense variant.
Genome position (GRCh38, 1-based): chr4:54,285,891, A>C. VCF-style: chr4-54285891-A-C. GRCh37 (hg19) VCF-style: chr4-55152058-A-C.
Other names: c.2490A>C (NM_006206.4); c.2565A>C, p.Lys855Asn (NM_001347828.2); c.2490A>C, p.Lys830Asn (NM_001347829.2); c.2529A>C, p.Lys843Asn (NM_001347830.2); short protein forms K855N, K830N, K843N.
Identifiers: ClinVar variation 1512643 (VCV001512643.10), dbSNP rs2110337815, ClinGen allele CA356894952.

ClinVar aggregate classification (germline): Uncertain significance. Review status: criteria provided, multiple submitters, no conflicts (2 of 4 stars). 2 submissions from 2 submitters: Uncertain significance (2). Last evaluated 2025-08-26.

Conditions:
Hereditary cancer-predisposing syndrome. Also called: Tumor predisposition; Neoplastic Syndromes, Hereditary; Hereditary Cancer Syndrome; Hereditary neoplastic syndrome. Identifiers: Orphanet 140162, MedGen C0027672, MeSH D009386, MONDO:0015356.
Gastrointestinal stromal tumor. Also called: Gastrointestinal stromal tumor, somatic; Gastrointestinal stroma tumor. Identifiers: Orphanet 44890, MedGen C0238198, MeSH D046152, MONDO:0011719, OMIM 606764, HP:0100723.

Allele frequency attached by ClinVar (database versions not stated): gnomAD exomes below 0.00001.
gnomAD v4.1: 1 of 1,613,966 alleles (0.000062%); highest among the groups gnomAD compares: Non-Finnish European, 0.000085%; no homozygotes.

Submissions (2):

Labcorp Genetics (formerly Invitae), Labcorp
Classification: Uncertain significance for Gastrointestinal stromal tumor. Last evaluated: 2025-08-26. Review status: criteria provided, single submitter. Criteria: Invitae Variant Classification Sherloc (09022015). Collection method: clinical testing. Allele origin: germline.
Comment: This sequence change replaces lysine, which is basic and polar, with asparagine, which is neutral and polar, at codon 830 of the PDGFRA protein (p.Lys830Asn). This variant is not present in population databases (gnomAD no frequency). This variant has not been reported in the literature in individuals affected with PDGFRA-related conditions. ClinVar contains an entry for this variant (Variation ID: 1512643). Invitae Evidence Modeling of protein sequence and biophysical properties (such as structural, functional, and spatial information, amino acid conservation, physicochemical variation, residue mobility, and thermodynamic stability) indicates that this missense variant is not expected to disrupt PDGFRA protein function with a negative predictive value of 80%. In summary, the available evidence is currently insufficient to determine the role of this variant in disease. Therefore, it has been classified as a Variant of Uncertain Significance.

Ambry Genetics
Classification: Uncertain significance for Hereditary cancer-predisposing syndrome. Last evaluated: 2025-01-11. Review status: criteria provided, single submitter. Criteria: Ambry Variant Classification Scheme 2023. Collection method: clinical testing. Allele origin: germline.
Comment: The p.K830N variant (also known as c.2490A>C), located in coding exon 17 of the PDGFRA gene, results from an A to C substitution at nucleotide position 2490. The lysine at codon 830 is replaced by asparagine, an amino acid with similar properties. This amino acid position is conserved. In addition, the in silico prediction for this alteration is inconclusive. Based on the available evidence, the clinical significance of this variant remains unclear.